The following is an entry in ClinVar:

NM_017636.4(TRPM4):c.1085C>T (p.Thr362Ile)

Gene: TRPM4 (transient receptor potential cation channel subfamily M member 4; plus strand). Cytogenetic location: 19q13.33.
Variant type: single nucleotide variant.
Coding change: c.1085C>T on transcript NM_017636.4 (MANE Select); coding-DNA position 1085, C replaced by T.
Protein change: p.Thr362Ile; replaces threonine 362 with isoleucine.
Molecular consequence: missense variant. On other transcripts: intron variant (1), 5 prime UTR variant (1).
Genome position (GRCh38, 1-based): chr19:49,172,043, C>T. VCF-style: chr19-49172043-C-T. GRCh37 (hg19) VCF-style: chr19-49675300-C-T.
Other names: c.563C>T, p.Thr188Ile (NM_001321283.2); c.201+274C>T (NM_001321285.2); c.1085C>T, p.Thr362Ile (NM_001195227.2); c.740C>T, p.Thr247Ile (NM_001321281.2); c.-469C>T (NM_001321282.2); short protein forms T362I, T188I, T247I.
Identifiers: ClinVar variation 2448591 (VCV002448591.3), dbSNP rs1425262719, ClinGen allele CA406795278.
Genomic context (GRCh38, chr19:49,172,043, plus strand): 5'-GGGATGCAGAACTGGCTATTCCACAGGTGGAGAGGATTATGACCCGGAAGGAGCTCCTGA[C>T]AGTCTATTCTTCTGAGGATGGGTCTGAGGAATTCGAGACCATAGTTTTGAAGGCCCTTGT-3'
Protein context (NP_060106.2, residues 352-372): ERIMTRKELL[Thr362Ile]VYSSEDGSEE

ClinVar aggregate classification (germline): Uncertain significance. Review status: criteria provided, multiple submitters, no conflicts (2 of 4 stars). 2 submissions from 2 submitters: Uncertain significance (2). Last evaluated 2025-09-16.

Conditions:
Cardiovascular phenotype. Identifiers: MedGen CN230736.
Progressive familial heart block type IB (PFHB1B). Identifiers: Orphanet 871, MedGen C1970298, MONDO:0011474, OMIM 604559.

Allele frequency attached by ClinVar (database versions not stated): TOPMed below 0.00001.
gnomAD v4.1: 7 of 1,614,048 alleles (0.00043%); highest among the groups gnomAD compares: Non-Finnish European, 0.00059%; no homozygotes.

Submissions (2):

Labcorp Genetics (formerly Invitae), Labcorp
Classification: Uncertain significance for Progressive familial heart block type IB. Last evaluated: 2025-09-16. Review status: criteria provided, single submitter. Criteria: Invitae Variant Classification Sherloc (09022015). Collection method: clinical testing. Allele origin: germline.
Comment: This sequence change replaces threonine, which is neutral and polar, with isoleucine, which is neutral and non-polar, at codon 362 of the TRPM4 protein (p.Thr362Ile). This variant is not present in population databases (gnomAD no frequency). This variant has not been reported in the literature in individuals affected with TRPM4-related conditions. ClinVar contains an entry for this variant (Variation ID: 2448591). An algorithm developed to predict the effect of missense changes on protein structure and function (PolyPhen-2) suggests that this variant is likely to be disruptive. In summary, the available evidence is currently insufficient to determine the role of this variant in disease. Therefore, it has been classified as a Variant of Uncertain Significance.

Ambry Genetics
Classification: Uncertain significance for Cardiovascular phenotype. Last evaluated: 2023-02-08. Review status: criteria provided, single submitter. Criteria: Ambry Variant Classification Scheme 2023. Collection method: clinical testing. Allele origin: germline.
Comment: The p.T362I variant (also known as c.1085C>T), located in coding exon 9 of the TRPM4 gene, results from a C to T substitution at nucleotide position 1085. The threonine at codon 362 is replaced by isoleucine, an amino acid with similar properties. This amino acid position is conserved. In addition, the in silico prediction for this alteration is inconclusive. Since supporting evidence is limited at this time, the clinical significance of this alteration remains unclear.